The following is an entry in ClinVar:

NM_002474.3(MYH11):c.1342del (p.His448fs)

Gene: MYH11 (myosin heavy chain 11; minus strand). Cytogenetic location: 16p13.11.
Variant type: Deletion.
Coding change: c.1342del on transcript NM_002474.3 (MANE Select); coding-DNA position 1342, one base deleted (C; older notation c.1342delC).
Protein change: p.His448fs; shifts the reading frame from histidine 448.
Molecular consequence: frameshift variant.
Genome position (GRCh38, 1-based): chr16:15,759,635, G deleted on the plus strand (C on the coding strand, the reverse complement: MYH11 is on the minus strand); the first of 3 consecutive G bases (chr16:15,759,635-15,759,637); deleting any one gives the same sequence. VCF-style (leftmost placement, unchanged base first): chr16-15759634-TG-T. GRCh37 (hg19) VCF-style: chr16-15853491-TG-T.
Other names: c.1363del, p.His455fs (NM_001040113.2, NM_001040114.2); c.1342del, p.His448fs (NM_022844.3); short protein forms H448fs, H455fs.
Identifiers: ClinVar variation 1172016 (VCV001172016.2), dbSNP rs2151277173, ClinGen allele CA2499223245.
Genomic context (GRCh38, chr16:15,759,634, plus strand): 5'-ACCTCAAAGATCTCAAATCCAGCTATATCCAGGATCCCCAGGAAGGAAGCCCCTTGCCGA[TG>T]GGTCTTGTCCAGGGCTTTGTTCACGCGGGTGAGTATCCAGCGGAAAAGGCGCTCATATGT-3'

ClinVar aggregate classification (germline): Uncertain significance (1 of 4 stars; one submission).

Conditions:
Familial thoracic aortic aneurysm and aortic dissection (TAAD). Also called: Thoracic aortic aneurysms and dissections. Identifiers: Orphanet 91387, MedGen C4707243, MONDO:0019625.

Submission:

Color Diagnostics, LLC DBA Color Health
Classification: Uncertain significance for Familial thoracic aortic aneurysm and aortic dissection. Last evaluated: 2020-09-08. Review status: criteria provided, single submitter. Criteria: ACMG Guidelines, 2015. Collection method: clinical testing. Allele origin: germline.
Comment: This variant deletes 1 nucleotide in exon 13 of the MYH11 gene, creating a frameshift and premature translation stop signal. This variant is expected to result in an absent or non-functional protein product. To our knowledge, this variant has not been reported in individuals affected with cardiovascular disorders in the literature. This variant has not been identified in the general population by the Genome Aggregation Database (gnomAD). Clinical significance of loss-of-function truncation variants in the MYH11 gene is not clearly established. The available evidence is insufficient to determine the role of this variant in disease conclusively. Therefore, this variant is classified as a Variant of Uncertain Significance.